The following is an entry in ClinVar:

ClinVar aggregate classification (germline): Uncertain significance. Review status: criteria provided, multiple submitters, no conflicts (2 of 4 stars). 2 submissions from 2 submitters: Uncertain significance (2). Last evaluated 2022-02-11.

Conditions:
Hereditary cancer-predisposing syndrome. Also called: Hereditary neoplastic syndrome; Tumor predisposition; Neoplastic Syndromes, Hereditary; Hereditary Cancer Syndrome. Identifiers: Orphanet 140162, MedGen C0027672, MeSH D009386, MONDO:0015356.

Submissions (2):

GeneDx
Classification: Uncertain significance. Last evaluated: 2022-02-11. Review status: criteria provided, single submitter. Criteria: GeneDx Variant Classification Process June 2021. Collection method: clinical testing. Allele origin: germline. Affected: yes.
Comment: Not observed at significant frequency in large population cohorts (gnomAD); In silico analysis supports that this missense variant does not alter protein structure/function; Has not been previously published as pathogenic or benign to our knowledge

Ambry Genetics
Classification: Uncertain significance for Hereditary cancer-predisposing syndrome. Last evaluated: 2015-10-09. Review status: criteria provided, single submitter. Criteria: Ambry Variant Classification Scheme 2023. Collection method: clinical testing. Allele origin: germline.
Comment: The p.F437L variant (also known as c.1311T>A), located in coding exon 11 of the MRE11A gene, results from a T to A substitution at nucleotide position 1311. The phenylalanine at codon 437 is replaced by leucine, an amino acid with highly similar properties. This variant was not reported in population based cohorts in the following databases: Database of Single Nucleotide Polymorphisms (dbSNP), NHLBI Exome Sequencing Project (ESP), and 1000 Genomes Project. In the ESP, this variant was not observed in 6497 samples (12994 alleles) with coverage at this position. To date, this alteration has been detected with an allele frequency of approximately 0.002% (greater than 65000 alleles tested) in our clinical cohort. This amino acid position is highly conserved in available vertebrate species. In addition, this alteration is predicted to be benign and tolerated by PolyPhen and SIFT in silico analyses, respectively. Since supporting evidence is limited at this time, the clinical significance of p.F437L remains unclear.

NM_005591.4(MRE11):c.1311T>A (p.Phe437Leu)

Gene: MRE11 (MRE11 double strand break repair nuclease; minus strand). Cytogenetic location: 11q21.
Variant type: single nucleotide variant.
Coding change: c.1311T>A on transcript NM_005591.4 (MANE Select); coding-DNA position 1311, T replaced by A.
Protein change: p.Phe437Leu; replaces phenylalanine 437 with leucine.
Molecular consequence: missense variant.
Genome position (GRCh38, 1-based): chr11:94,460,951, A>T on the plus strand (T>A on the coding strand, the complement: MRE11 is on the minus strand). VCF-style: chr11-94460951-A-T. GRCh37 (hg19) VCF-style: chr11-94194117-A-T.
Other names: c.1311T>A, p.Phe437Leu (NM_001330347.2, NM_005590.4); short protein forms F437L.
Identifiers: ClinVar variation 1700997 (VCV001700997.4), dbSNP rs2134999665, ClinGen allele CA382372299.